The following is an entry in ClinVar:

NM_032043.3(BRIP1):c.363T>A (p.Thr121=)

Gene: BRIP1 (BRCA1 interacting DNA helicase 1; minus strand). Cytogenetic location: 17q23.2.
Variant type: single nucleotide variant.
Coding change: c.363T>A on transcript NM_032043.3 (MANE Select); coding-DNA position 363, T replaced by A.
Protein change: p.Thr121=; no amino-acid change (threonine 121 retained).
Molecular consequence: synonymous variant.
Genome position (GRCh38, 1-based): chr17:61,857,074, A>T on the plus strand (T>A on the coding strand, the complement: BRIP1 is on the minus strand). VCF-style: chr17-61857074-A-T. GRCh37 (hg19) VCF-style: chr17-59934435-A-T.
Identifiers: ClinVar variation 233282 (VCV000233282.22), dbSNP rs876660306, ClinGen allele CA10580883.

ClinVar aggregate classification (germline): Conflicting classifications of pathogenicity. Review status: criteria provided, conflicting classifications (1 of 4 stars). 7 submissions from 7 submitters: Uncertain significance (1); Benign (1); Likely benign (5). Last evaluated 2026-03-14.

Conditions:
Familial ovarian cancer. Identifiers: MedGen C5679802, MONDO:0016248.
Familial cancer of breast. Also called: BREAST CANCER, FAMILIAL; Hereditary breast cancer; hereditary breast carcinoma. Identifiers: Orphanet 227535, MedGen C0346153, MONDO:0016419, OMIM 114480. Disease mechanism: loss of function.
Fanconi anemia complementation group J. Also called: BRIP1-Related Fanconi Anemia. Identifiers: Orphanet 84, MedGen C1836860, MONDO:0012187, OMIM 609054.
Hereditary cancer-predisposing syndrome. Also called: Tumor predisposition; Neoplastic Syndromes, Hereditary; Hereditary Cancer Syndrome; Hereditary neoplastic syndrome. Identifiers: Orphanet 140162, MedGen C0027672, MeSH D009386, MONDO:0015356.

gnomAD v4.1: 1 of 1,614,074 alleles (0.000062%); highest among the groups gnomAD compares: Non-Finnish European, 0.000085%; no homozygotes.

Submissions (7):

Women's Health and Genetics/Laboratory Corporation of America, LabCorp
Classification: Likely benign. Last evaluated: 2026-03-14. Review status: criteria provided, single submitter. Criteria: LabCorp Variant Classification Summary - May 2015. Collection method: clinical testing. Allele origin: germline.

Color Diagnostics, LLC DBA Color Health
Classification: Likely benign for Hereditary cancer-predisposing syndrome. Last evaluated: 2025-05-12. Review status: criteria provided, single submitter. Criteria: ACMG Guidelines, 2015. Collection method: clinical testing. Allele origin: germline.

Labcorp Genetics (formerly Invitae), Labcorp
Classification: Likely benign for Familial cancer of breast; Fanconi anemia complementation group J. Last evaluated: 2025-03-21. Review status: criteria provided, single submitter. Criteria: Invitae Variant Classification Sherloc (09022015). Collection method: clinical testing. Allele origin: germline.

Myriad Genetics, Inc.
Classification: Benign for Familial cancer of breast. Last evaluated: 2024-08-21. Review status: criteria provided, single submitter. Criteria: Myriad Autosomal Dominant, Autosomal Recessive and X-Linked Classification Criteria (2023). Collection method: clinical testing. Allele origin: unknown.
Comment: This variant is considered benign. This variant is a silent/synonymous amino acid change and it is not expected to impact splicing.

Quest Diagnostics Nichols Institute San Juan Capistrano
Classification: Uncertain significance. Last evaluated: 2023-01-16. Review status: criteria provided, single submitter. Criteria: Quest Diagnostics criteria. Collection method: clinical testing. Allele origin: unknown.
Comment: To the best of our knowledge, the variant has not been reported in the published literature. It also has not been reported in large, multi-ethnic general populations. Analysis of this variant using software algorithms for the prediction of the effect of nucleotide changes on splicing yielded predictions that this variant does not affect BRIP1 mRNA splicing . Based on the available information, we are unable to determine the clinical significance of this variant.

Department of Pathology and Laboratory Medicine, Sinai Health System
Classification: Likely benign for familial ovarian cancer. Last evaluated: 2020-05-20. Review status: criteria provided, single submitter. Criteria: ACMG Guidelines, 2015. Collection method: clinical testing. Allele origin: germline. Affected: yes.

Ambry Genetics
Classification: Likely benign for Hereditary cancer-predisposing syndrome. Last evaluated: 2015-08-05. Review status: criteria provided, single submitter. Criteria: Ambry Variant Classification Scheme 2023. Collection method: clinical testing. Allele origin: germline.